The following is an entry in ClinVar:

NM_024422.6(DSC2):c.2334C>T (p.Asn778=)

Gene: DSC2 (desmocollin 2; minus strand). Cytogenetic location: 18q12.1.
Variant type: single nucleotide variant.
Coding change: c.2334C>T on transcript NM_024422.6 (MANE Select); coding-DNA position 2334, C replaced by T.
Protein change: p.Asn778=; no amino-acid change (asparagine 778 retained).
Molecular consequence: synonymous variant.
Genome position (GRCh38, 1-based): chr18:31,069,068, G>A on the plus strand (C>T on the coding strand, the complement: DSC2 is on the minus strand). VCF-style: chr18-31069068-G-A. GRCh37 (hg19) VCF-style: chr18-28649034-G-A.
Other names: c.2334C>T (NM_024422.4); c.2334C>T, p.Asn778= (NM_004949.5).
Identifiers: ClinVar variation 808376 (VCV000808376.20), dbSNP rs1282599604, ClinGen allele CA503384636.

ClinVar aggregate classification (germline): Likely benign. Review status: criteria provided, multiple submitters, no conflicts (2 of 4 stars). 5 submissions from 5 submitters: Likely benign (4). 1 of the submissions does not count toward it. Last evaluated 2025-11-27.

Conditions:
Cardiomyopathy (CMYO). Also called: Cardiomyopathies. Identifiers: Orphanet 167848, MedGen C0878544, MONDO:0004994, HP:0001638. Inheritance: Various modes of inheritance.
Arrhythmogenic right ventricular dysplasia 11. Also called: Arrhythmogenic Right Ventricular Dysplasia/Cardiomyopathy11; ARRHYTHMOGENIC RIGHT VENTRICULAR DYSPLASIA, FAMILIAL, 11; Arrhythmogenic right ventricular dysplasia 11 with mild palmoplantar keratoderma and woolly hair. Identifiers: MedGen C1864850, MONDO:0012506, OMIM 610476.
DSC2-related disorder. Also called: DSC2-related condition.
Familial isolated arrhythmogenic right ventricular dysplasia. Identifiers: Orphanet 217656, MedGen C4274968, MONDO:0016342.

Allele frequency attached by ClinVar (database versions not stated): gnomAD exomes 0.00001 and below 0.00001; TOPMed 0.00003; gnomAD 0.00001.
gnomAD v4.1: 6 of 1,613,978 alleles (0.00037%); highest among the groups gnomAD compares: Middle Eastern, 0.016%; no homozygotes.

Submissions (5):

Labcorp Genetics (formerly Invitae), Labcorp
Classification: Likely benign for Arrhythmogenic right ventricular dysplasia 11. Last evaluated: 2025-11-27. Review status: criteria provided, single submitter. Criteria: Invitae Variant Classification Sherloc (09022015). Collection method: clinical testing. Allele origin: germline.

All of Us Research Program, National Institutes of Health
Classification: Likely benign for Familial isolated arrhythmogenic right ventricular dysplasia. Last evaluated: 2023-12-13. Review status: criteria provided, single submitter. Criteria: ACMG Guidelines, 2015. Collection method: clinical testing. Allele origin: germline. Inheritance: Autosomal dominant inheritance. Observed: 4 variant alleles, 4 heterozygotes.
Comment: This study involves interpretation of variants in research participants for the purpose of population health screening. Participant phenotype was not available at the time of variant classification. Additional details can be found in publication PMID: 35346344, PMCID: PMC8962531

Color Diagnostics, LLC DBA Color Health
Classification: Likely benign for Cardiomyopathy. Last evaluated: 2022-11-06. Review status: criteria provided, single submitter. Criteria: ACMG Guidelines, 2015. Collection method: clinical testing. Allele origin: germline.

Fulgent Genetics
Classification: Likely benign for Arrhythmogenic right ventricular dysplasia 11. Last evaluated: 2021-12-15. Review status: criteria provided, single submitter. Criteria: ACMG Guidelines, 2015. Collection method: clinical testing. Allele origin: unknown.

PreventionGenetics, part of Exact Sciences
Classification: Likely benign for DSC2-related condition. Last evaluated: 2019-07-12. Review status: no assertion criteria provided. Collection method: clinical testing. Allele origin: germline. Not counted in ClinVar's aggregate classification.
Comment: This variant is classified as likely benign based on ACMG/AMP sequence variant interpretation guidelines (Richards et al. 2015 PMID: 25741868, with internal and published modifications).